The following is an entry in ClinVar:

ClinVar aggregate classification (germline): Pathogenic (1 of 4 stars; one submission).

Submission:

ARUP Laboratories, Molecular Genetics and Genomics, ARUP Laboratories
Classification: Pathogenic. Last evaluated: 2021-07-30. Review status: criteria provided, single submitter. Criteria: ARUP Molecular Germline Variant Investigation Process 2021. Collection method: clinical testing. Allele origin: germline.
Comment: The CDH1 c.2037_2061dup; p.Cys688HisfsTer8 variant, to our knowledge, is not reported in the medical literature or gene specific databases. This variant is also absent from the Genome Aggregation Database, indicating it is not a common polymorphism. This variant causes a frameshift by inserting 25 nucleotides, so it is predicted to result in a truncated protein or mRNA subject to nonsense-mediated decay. Additionally, several downstream truncating variants have been described in individuals with breast or gastric cancer and are considered pathogenic (Desmond 2015, Guilford 1998, Krempely 2018). Based on available information, this variant is considered to be pathogenic. References: Desmond A et al. Clinical Actionability of Multigene Panel Testing for Hereditary Breast and Ovarian Cancer Risk Assessment. JAMA Oncol. 2015 Oct;1(7):943-51. PMID: 26270727. Guilford P et al. E-cadherin germline mutations in familial gastric cancer. Nature. 1998 Mar 26;392(6674):402-5. PMID: 9537325. Krempely K and Karam R. A novel de novo CDH1 germline variant aids in the classification of carboxy-terminal E-cadherin alterations predicted to escape nonsense-mediated mRNA decay. Cold Spring Harb Mol Case Stud. 2018 Aug 1;4(4):a003012. PMID: 29798843.

NM_004360.5(CDH1):c.2037_2061dup (p.Cys688delinsHisLeuArgGlyGlnArgValTer)

Gene: CDH1 (cadherin 1; plus strand). Cytogenetic location: 16q22.1.
Variant type: Duplication.
Coding change: c.2037_2061dup on transcript NM_004360.5 (MANE Select); coding-DNA positions 2037 to 2061, 25 bases duplicated (CACCTTAGAGGTCAGCGTGTGTGAC).
Protein change: p.Cys688delinsHisLeuArgGlyGlnArgValTer.
Molecular consequence: nonsense.
Genome position (GRCh38, 1-based): chr16:68,823,499-68,823,523, CACCTTAGAGGTCAGCGTGTGTGAC duplicated; duplicating any 25 consecutive bases within chr16:68,823,494-68,823,523 gives the same sequence; the c. name uses the placement nearest the transcript's 3' end. VCF-style (leftmost placement, unchanged base first): chr16-68823493-A-AGTGACCACCTTAGAGGTCAGCGTGT. GRCh37 (hg19) VCF-style: chr16-68857396-A-AGTGACCACCTTAGAGGTCAGCGTGT.
Other names: c.1854_1878dup, p.Cys627delinsHisLeuArgGlyGlnArgValTer (NM_001317184.2); c.489_513dup, p.Cys172delinsHisLeuArgGlyGlnArgValTer (NM_001317185.2); c.72_96dup, p.Cys33delinsHisLeuArgGlyGlnArgValTer (NM_001317186.2).
Identifiers: ClinVar variation 1330506 (VCV001330506.7), dbSNP rs2152139420, ClinGen allele CA2573054265.